The following is an entry in ClinVar:

NM_000352.6(ABCC8):c.1672-26G>C

Gene: ABCC8 (ATP binding cassette subfamily C member 8; minus strand). Cytogenetic location: 11p15.1.
Variant type: single nucleotide variant.
Coding change: c.1672-26G>C on transcript NM_000352.6 (MANE Select); 26 bases into the intron before coding-DNA position 1672, G replaced by C.
Molecular consequence: intron variant.
Genome position (GRCh38, 1-based): chr11:17,430,985, C>G on the plus strand (G>C on the coding strand, the complement: ABCC8 is on the minus strand). VCF-style: chr11-17430985-C-G. GRCh37 (hg19) VCF-style: chr11-17452532-C-G.
Other names: c.1669-26G>C (NM_001351297.2, NM_001351296.2); c.1672-26G>C (NM_001351295.2, NM_001287174.3).
Identifiers: ClinVar variation 3048235 (VCV003048235.2), dbSNP rs373158919, ClinGen allele CA5903475.
Genomic context (GRCh38, chr11:17,430,985, plus strand): 5'-GCCTCTTTGAAGAAGCTGACGTGGCCCACGAAAGTCTGTGGACAGAGGCACAAGTGAGGC[C>G]AGGGTGGCCCAGGGTGTGGGTCCCTCCCACACTGGAAACGCTCAGCACTGGAAGGGAAAT-3'

ClinVar aggregate classification (germline): Likely benign (0 of 4 stars; one submission).

Conditions:
ABCC8-related disorder.

Allele frequency attached by ClinVar (database versions not stated): ExAC 0.00003; gnomAD 0.00011; gnomAD exomes 0.00013; TOPMed 0.00013; ESP Exome Variant Server 0.00015.
gnomAD v4.1: 212 of 1,610,514 alleles (0.013%); highest among the groups gnomAD compares: Non-Finnish European, 0.017%; no homozygotes.

Submission:

PreventionGenetics, part of Exact Sciences
Classification: Likely benign for ABCC8-related condition. Last evaluated: 2022-10-21. Review status: no assertion criteria provided. Collection method: clinical testing. Allele origin: germline.
Comment: This variant is classified as likely benign based on ACMG/AMP sequence variant interpretation guidelines (Richards et al. 2015 PMID: 25741868, with internal and published modifications).